The following is an entry in ClinVar:

NM_138694.4(PKHD1):c.3148A>G (p.Ile1050Val)

Gene: PKHD1 (PKHD1 ciliary IPT domain containing fibrocystin/polyductin; minus strand). Cytogenetic location: 6p12.2.
Variant type: single nucleotide variant.
Coding change: c.3148A>G on transcript NM_138694.4 (MANE Select); coding-DNA position 3148, A replaced by G.
Protein change: p.Ile1050Val; replaces isoleucine 1050 with valine.
Molecular consequence: missense variant.
Genome position (GRCh38, 1-based): chr6:52,035,671, T>C on the plus strand (A>G on the coding strand, the complement: PKHD1 is on the minus strand). VCF-style: chr6-52035671-T-C. GRCh37 (hg19) VCF-style: chr6-51900469-T-C.
Other names: c.3148A>G, p.Ile1050Val (NM_170724.3); c.3148A>G (NM_138694.3); short protein forms I1050V.
Identifiers: ClinVar variation 167490 (VCV000167490.17), dbSNP rs727504088, ClinGen allele CA234574.

ClinVar aggregate classification (germline): Conflicting classifications of pathogenicity. Review status: criteria provided, conflicting classifications (1 of 4 stars). 6 submissions from 5 submitters: Uncertain significance (4); Likely benign (2). Last evaluated 2025-11-18.

Conditions:
Polycystic kidney disease 4 (PKD4). Also called: PKD3; POLYCYSTIC KIDNEY DISEASE 4 WITH OR WITHOUT POLYCYSTIC LIVER DISEASE; Autosomal Recessive Polycystic Kidney Disease – PKHD1; POLYCYSTIC KIDNEY AND HEPATIC DISEASE 1; POLYCYSTIC KIDNEY DISEASE, INFANTILE, TYPE I. Identifiers: MedGen C4540575, MONDO:0033004, OMIM 263200.
PKHD1-related disorder. Also called: PKHD1-related condition.
Inborn genetic diseases. Identifiers: MedGen C0950123, MeSH D030342.
Autosomal recessive polycystic kidney disease (ARPKD). Also called: AR polycystic kidney disease. Identifiers: Orphanet 731, Orphanet 8378, MedGen C0085548, MeSH D017044, MONDO:0009889.

Allele frequency attached by ClinVar (database versions not stated): gnomAD exomes 0.00004 and 0.00008; ExAC 0.00007; gnomAD 0.00001; TOPMed 0.00002.
gnomAD v4.1: 27 of 1,613,772 alleles (0.0017%); highest among the groups gnomAD compares: Admixed American, 0.042%; no homozygotes.

Submissions (6):

Labcorp Genetics (formerly Invitae), Labcorp
Classification: Likely benign for Autosomal recessive polycystic kidney disease. Last evaluated: 2025-11-18. Review status: criteria provided, single submitter. Criteria: Invitae Variant Classification Sherloc (09022015). Collection method: clinical testing. Allele origin: germline.

PreventionGenetics, part of Exact Sciences
Classification: Uncertain significance for PKHD1-related condition. Last evaluated: 2024-10-25. Review status: criteria provided, single submitter. Criteria: ACMG Guidelines, 2015. Collection method: clinical testing. Allele origin: germline.
Comment: The PKHD1 c.3148A>G variant is predicted to result in the amino acid substitution p.Ile1050Val. To our knowledge, this variant has not been reported in the literature. This variant is reported in 0.055% of alleles in individuals of Latino descent in gnomAD. At this time, the clinical significance of this variant is uncertain due to the absence of conclusive functional and genetic evidence.

Fulgent Genetics
Classification: Uncertain significance for Polycystic kidney disease 4. Last evaluated: 2023-12-26. Review status: criteria provided, single submitter. Criteria: ACMG Guidelines, 2015. Collection method: clinical testing. Allele origin: germline.

Ambry Genetics
Classification: Likely benign for Inborn genetic diseases. Last evaluated: 2022-01-26. Review status: criteria provided, single submitter. Criteria: Ambry Variant Classification Scheme 2023. Collection method: clinical testing. Allele origin: germline.

Fulgent Genetics
Classification: Uncertain significance for Polycystic kidney disease 4. Last evaluated: 2018-10-31. Review status: criteria provided, single submitter. Criteria: ACMG Guidelines, 2015. Collection method: clinical testing. Allele origin: unknown.

Eurofins Ntd Llc (ga)
Classification: Uncertain significance. Last evaluated: 2018-08-29. Review status: criteria provided, single submitter. Criteria: EGL ClinVar v180209 classification definitions. Collection method: clinical testing. Allele origin: germline. Observed: 2 variant alleles, 2 heterozygotes.